The following is an entry in ClinVar:

ClinVar aggregate classification (germline): Likely benign. Review status: criteria provided, multiple submitters, no conflicts (2 of 4 stars). 4 submissions from 4 submitters: Likely benign (3). 1 of the submissions does not count toward it. Last evaluated 2023-11-15.

Conditions:
Dilated cardiomyopathy 1KK (CMD1KK). Identifiers: Orphanet 154, Orphanet 75249, MedGen C3714995, MONDO:0014100, OMIM 615248.
Cardiovascular phenotype. Identifiers: MedGen CN230736.
MYPN-related disorder. Also called: MYPN-related condition.

Allele frequency attached by ClinVar (database versions not stated): gnomAD below 0.00001 and 0.00003; TOPMed 0.00001; gnomAD exomes 0.00006 and 0.00012; ExAC 0.00014; 1000 Genomes Project 30x 0.00016; 1000 Genomes Project 0.00020.
gnomAD v4.1: 94 of 1,614,024 alleles (0.0058%); highest among the groups gnomAD compares: South Asian, 0.096%; no homozygotes.

Submissions (4):

Labcorp Genetics (formerly Invitae), Labcorp
Classification: Likely benign for Dilated cardiomyopathy 1KK. Last evaluated: 2023-11-15. Review status: criteria provided, single submitter. Criteria: Invitae Variant Classification Sherloc (09022015). Collection method: clinical testing. Allele origin: germline.

Ambry Genetics
Classification: Likely benign for Cardiovascular phenotype. Last evaluated: 2022-11-27. Review status: criteria provided, single submitter. Criteria: Ambry Variant Classification Scheme 2023. Collection method: clinical testing. Allele origin: germline.

GeneDx
Classification: Likely benign. Last evaluated: 2018-06-11. Review status: criteria provided, single submitter. Criteria: GeneDx Variant Classification (06012015). Collection method: clinical testing. Allele origin: germline. Affected: yes.
Comment: This variant is considered likely benign or benign based on one or more of the following criteria: it is a conservative change, it occurs at a poorly conserved position in the protein, it is predicted to be benign by multiple in silico algorithms, and/or has population frequency not consistent with disease.

PreventionGenetics, part of Exact Sciences
Classification: Likely benign for MYPN-related condition. Last evaluated: 2020-10-01. Review status: no assertion criteria provided. Collection method: clinical testing. Allele origin: germline. Not counted in ClinVar's aggregate classification.
Comment: This variant is classified as likely benign based on ACMG/AMP sequence variant interpretation guidelines (Richards et al. 2015 PMID: 25741868, with internal and published modifications).

NM_032578.4(MYPN):c.3963A>G (p.Ter1321=)

Gene: MYPN (myopalladin; plus strand). Cytogenetic location: 10q21.3.
Variant type: single nucleotide variant.
Coding change: c.3963A>G on transcript NM_032578.4 (MANE Select); coding-DNA position 3963, A replaced by G.
Protein change: p.Ter1321=.
Molecular consequence: synonymous variant. On other transcripts: non-coding transcript variant (2).
Genome position (GRCh38, 1-based): chr10:68,210,455, A>G. VCF-style: chr10-68210455-A-G. GRCh37 (hg19) VCF-style: chr10-69970212-A-G.
Other names: c.3963A>G, p.Ter1321= (NM_001256267.2); c.3081A>G, p.Ter1027= (NM_001256268.2); c.3963A>G (NM_032578.2).
Identifiers: ClinVar variation 671639 (VCV000671639.9), dbSNP rs539338042, ClinGen allele CA5523200.